The following is an entry in ClinVar:

ClinVar aggregate classification (germline): Uncertain significance (1 of 4 stars; one submission).

Conditions:
SON-related disorder. Also called: SON-related condition.

gnomAD v4.1: 1 of 1,613,984 alleles (0.000062%); highest among the groups gnomAD compares: African/African-American, 0.0013%; no homozygotes.

Submission:

PreventionGenetics, part of Exact Sciences
Classification: Uncertain significance for SON-related condition. Last evaluated: 2026-04-26. Review status: criteria provided, single submitter. Criteria: ACMG Guidelines, 2015. Collection method: clinical testing. Allele origin: germline.
Comment: The SON c.2923A>G variant is predicted to result in the amino acid substitution p.Arg975Gly. To our knowledge, this variant has not been reported in the literature or in a large population database (gnomAD), indicating this variant is rare. At this time, the clinical significance of this variant is uncertain due to the absence of conclusive functional and genetic evidence.

NM_138927.4(SON):c.2923A>G (p.Arg975Gly)

Gene: SON (SON DNA and RNA binding protein; plus strand). Cytogenetic location: 21q22.11.
Variant type: single nucleotide variant.
Coding change: c.2923A>G on transcript NM_138927.4 (MANE Select); coding-DNA position 2923, A replaced by G.
Protein change: p.Arg975Gly; replaces arginine 975 with glycine.
Molecular consequence: missense variant. On other transcripts: non-coding transcript variant (1), intron variant (1).
Genome position (GRCh38, 1-based): chr21:33,552,154, A>G. VCF-style: chr21-33552154-A-G. GRCh37 (hg19) VCF-style: chr21-34924460-A-G.
Other names: c.2923A>G, p.Arg975Gly (NM_001291411.2, NM_032195.3); c.245-5002A>G (NM_001291412.3); short protein forms R975G.
Identifiers: ClinVar variation 4992027 (VCV004992027.1).